The following is an entry in ClinVar:

ClinVar aggregate classification (germline): Pathogenic/Likely pathogenic. Review status: criteria provided, multiple submitters, no conflicts (2 of 4 stars). 25 submissions from 25 submitters: Pathogenic (15); Likely pathogenic (5). 5 of the submissions do not count toward it. Last evaluated 2026-01-13.

Conditions:
MMACHC-related disorder. Also called: MMACHC-related condition.
Inborn genetic diseases. Identifiers: MedGen C0950123, MeSH D030342.
Disorders of Intracellular Cobalamin Metabolism. Identifiers: MedGen CN043592.
Cobalamin C disease. Also called: Methylmalonic aciduria and homocystinuria, Vitamin B12-responsive; Vitamin B12 metabolic defect with combined deficiency of methylmalonyl-CoA mutase and homocysteine:methyltetrahydrofolate methyltransferase; Cobalamin-C methylmalonic acidemia and homocystinuria; Methylmalonic acidemia and homocystinuria cblC type; methylmalonic aciduria and homocystinuria type cblC; Methylmalonic aciduria with homocystinuria cblC type. Identifiers: Orphanet 26, Orphanet 79282, MedGen C1848561, MONDO:0010184, OMIM 277400.

Allele frequency attached by ClinVar (database versions not stated): TOPMed 0.00025; ESP Exome Variant Server 0.00032; gnomAD 0.00034; 1000 Genomes Project 0.00040.
gnomAD v4.1: 531 of 1,613,974 alleles (0.033%); highest among the groups gnomAD compares: Admixed American, 0.07%; no homozygotes.

Submissions 1 to 10 of 25:

GeneDx
Classification: Pathogenic. Last evaluated: 2026-01-13. Review status: criteria provided, single submitter. Criteria: GeneDx Variant Classification Process June 2021. Collection method: clinical testing. Allele origin: germline. Affected: yes.
Comment: In silico analysis supports that this missense variant has a deleterious effect on protein structure/function; This variant is associated with the following publications: (PMID: 25398587, 19370762, 11261516, 16311595, 21748409, 16714133, 17853453, 25689098, 34426522, 31589614, 33848968, 34356170, 32683363, 26825575, 31980526, 38532509)

Labcorp Genetics (formerly Invitae), Labcorp
Classification: Pathogenic for Cobalamin C disease. Last evaluated: 2026-01-09. Review status: criteria provided, single submitter. Criteria: Invitae Variant Classification Sherloc (09022015). Collection method: clinical testing. Allele origin: germline.
Comment: This sequence change replaces glycine, which is neutral and non-polar, with alanine, which is neutral and non-polar, at codon 147 of the MMACHC protein (p.Gly147Ala). This variant is present in population databases (rs140522266, gnomAD 0.06%). This missense change has been observed in individual(s) with methylmalonic aciduria and homocystinuria, generally with mild or late-onset disease (PMID: 19370762, 25689098, 26825575). In at least one individual the data is consistent with being in trans (on the opposite chromosome) from a pathogenic variant. ClinVar contains an entry for this variant (Variation ID: 203828). Invitae Evidence Modeling of protein sequence and biophysical properties (such as structural, functional, and spatial information, amino acid conservation, physicochemical variation, residue mobility, and thermodynamic stability) has been performed for this missense variant. However, the output from this modeling did not meet the statistical confidence thresholds required to predict the impact of this variant on MMACHC protein function. This variant disrupts the p.Gly147 amino acid residue in MMACHC. Other variant(s) that disrupt this residue have been determined to be pathogenic (PMID: 19370762, 19700356). This suggests that this residue is clinically significant, and that variants that disrupt this residue are likely to be disease-causing. For these reasons, this variant has been classified as Pathogenic.

Otogenetics
Classification: Pathogenic for Cobalamin C disease. Last evaluated: 2025-12-19. Review status: criteria provided, single submitter. Criteria: ACMG Guidelines, 2015. Collection method: clinical testing. Allele origin: germline.
Comment: PM1: Non-truncating non-synonymous variant located in a well-established functional domain (cobalamin-tail binding site) of protein product (PMID: 21697092, 40441036); PM2: Maximum gnomAD MAF of 0.0652% in American (AMR) subpopulation (<0.28% threshold); PM3_Strong: Variant reported in homozygous state in two affected individuals and in trans with 2 pathogenic variants in 3 individuals affected with methylmalonic aciduria and homocystinuria (PMID: 11261516, 16311595, 25672861, 26825575); PM5: Pathogenic missense amino acid changes occur in same position: c.440G>A p.Gly147Asp (PMID: 16714133); PP3: In-silico models predict deleterious effect (Revel = 0.91, BayesDel = 0.55)

Revvity Omics, Revvity
Classification: Pathogenic for Cobalamin C disease. Last evaluated: 2024-10-29. Review status: criteria provided, single submitter. Criteria: ACMG Guidelines, 2015. Collection method: clinical testing. Allele origin: germline.

Blueprint Genetics
Classification: Pathogenic for MMACHC-related disorders. Last evaluated: 2024-10-22. Review status: criteria provided, single submitter. Criteria: ACMG Guidelines, 2015. Collection method: clinical testing. Allele origin: germline. Affected: yes. Observed: 5 variant alleles.

Victorian Clinical Genetics Services, Murdoch Childrens Research Institute
Classification: Pathogenic for Cobalamin C disease. Last evaluated: 2024-10-09. Review status: criteria provided, single submitter. Criteria: ACMG Guidelines, 2015. Collection method: clinical testing. Allele origin: germline. Inheritance: Autosomal recessive inheritance.
Comment: Based on the classification scheme VCGS_Germline_v1.3.4, this variant is classified as Pathogenic. Following criteria are met: 0102 - Loss of function is a known mechanism of disease in this gene and is associated with methylmalonic aciduria and homocystinuria, cblC type (MIM#277400). (I) 0106 - This gene is associated with autosomal recessive disease. (I) 0200 - Variant is predicted to result in a missense amino acid change from glycine to alanine. (I) 0251 - This variant is heterozygous. (I) 0304 - Variant is present in gnomAD (v2) <0.01 for a recessive condition (91 heterozygotes, 0 homozygotes). (SP) 0309 - Multiple alternative amino acid changes at the same position have been observed in gnomAD (v2) (highest allele count: 4 heterozygotes, 0 homozygotes). (I) 0502 - Missense variant with conflicting in silico predictions and uninformative conservation. (I) 0600 - Variant is located in the annotated methylmalonic aciduria and homocystinuria type C family domain (DECIPHER). (I) 0801 - This variant has strong previous evidence of pathogenicity in unrelated individuals. This variant hass been classified as pathogenic by multiple clinical laboratories in ClinVar and has been observed as compound heterozygous or homozygous in individuals with cblC type methylmalonic aciduria and homocystinuria (PMIDs: 16311595, 19370762, 25689098, 26825575, 34356170). (SP) Legend: (SP) - Supporting pathogenic, (I) - Information, (SB) - Supporting benign

Department of Pathology and Laboratory Medicine, Sinai Health System
Classification: Pathogenic for Cobalamin C disease. Last evaluated: 2023-03-27. Review status: criteria provided, single submitter. Criteria: ACMG Guidelines, 2015. Collection method: research. Allele origin: germline.

Laboratoire de Génétique Moléculaire, CHU Bordeaux
Classification: Pathogenic for Cobalamin C disease. Last evaluated: 2023-03-01. Review status: criteria provided, single submitter. Criteria: ACMG Guidelines, 2015. Collection method: clinical testing. Allele origin: germline. Affected: yes.

Ambry Genetics
Classification: Pathogenic for Inborn genetic diseases. Last evaluated: 2022-01-25. Review status: criteria provided, single submitter. Criteria: Ambry Variant Classification Scheme 2023. Collection method: clinical testing. Allele origin: germline.
Comment: The c.440G>C (p.G147A) alteration is located in exon 4 (coding exon 4) of the MMACHC gene. This alteration results from a G to C substitution at nucleotide position 440, causing the glycine (G) at amino acid position 147 to be replaced by an alanine (A). Based on data from gnomAD, the C allele has an overall frequency of 0.03% (91/280240) total alleles studied. The highest observed frequency was 0.07% (23/35270) of Latino alleles. This alteration was detected in the homozygous state and in the compound heterozygous state with other MMACHC alterations in multiple individuals with clinical and biochemical features consistent with methylmalonic aciduria and homocystinuria, cblC type (Powers, 2001; Morel, 2005; Scolamiero, 2015; Lerner-Ellis, 2009; Lerner-Ellis, 2006; Valentino, 2021; Brooks, 2016; Yamamoto, 2015). This amino acid position is highly conserved in available vertebrate species. This alteration is predicted to be deleterious by in silico analysis. Based on the available evidence, this alteration is classified as pathogenic.

Dasa
Classification: Pathogenic for Cobalamin C disease. Last evaluated: 2022-01-05. Review status: criteria provided, single submitter. Criteria: ACMG Guidelines, 2015. Collection method: clinical testing. Allele origin: germline. Affected: yes. Observed: 1 variant allele.
Comment: The c.440G>C;p.(Gly147Ala) missense variant has been observed in affected individual(s) and ClinVar contains an entry for this variant (ClinVar ID: 203828; PMID: 19370762; 25689098; 26825575) - PS4.The variant is located in a mutational hot spot and/or critical and well-established functional domain (MMACHC) - PM1. The variant is present at low allele frequencies population databases (rs140522266– gnomAD 0.0003220%; ABraOM 0.000427 frequency) - PM2_supporting. The p.(Gly147Ala) was detected in trans with a pathogenic variant (PMID: 25398587; 19370762; 11261516) - PM3_strong. Pathogenic missense variant in this residue have been reported (ClinVar ID: 203829) - PM5. Multiple lines of computational evidence support a deleterious effect on the gene or gene product - PP3. In summary, the currently available evidence indicates that the variant is pathogenic.

NM_015506.3(MMACHC):c.440G>C (p.Gly147Ala)

Gene: MMACHC (metabolism of cobalamin associated C; plus strand). Cytogenetic location: 1p34.1.
Variant type: single nucleotide variant.
Coding change: c.440G>C on transcript NM_015506.3 (MANE Select); coding-DNA position 440, G replaced by C.
Protein change: p.Gly147Ala; replaces glycine 147 with alanine.
Molecular consequence: missense variant.
Genome position (GRCh38, 1-based): chr1:45,508,806, G>C. VCF-style: chr1-45508806-G-C. GRCh37 (hg19) VCF-style: chr1-45974478-G-C.
Other names: p.G147A:GGT>GCT; c.269G>C, p.Gly90Ala (NM_001330540.2); short protein forms G147A, G90A.
Identifiers: ClinVar variation 203828 (VCV000203828.97), dbSNP rs140522266, ClinGen allele CA312732.
Genomic context (GRCh38, chr1:45,508,806, plus strand): 5'-TGGTGCCAAGGGGACCTCCATGACCTTGCTTTTCTTCACCCTCTCCCCAGCGCATATCAG[G>C]TGTGTGCATACACCCCCGATTTGGGGGCTGGTTTGCCATCCGAGGGGTAGTGCTGCTGCC-3'
Protein context (NP_056321.2, residues 137-157): ADPWGNQRIS[Gly147Ala]VCIHPRFGGW